The following is an entry in ClinVar:

NM_000298.6(PKLR):c.1463G>A (p.Arg488Gln)

Gene: PKLR (pyruvate kinase L/R; minus strand). Cytogenetic location: 1q22.
Variant type: single nucleotide variant.
Coding change: c.1463G>A on transcript NM_000298.6 (MANE Select); coding-DNA position 1463, G replaced by A.
Protein change: p.Arg488Gln; replaces arginine 488 with glutamine.
Molecular consequence: missense variant.
Genome position (GRCh38, 1-based): chr1:155,291,911, C>T on the plus strand (G>A on the coding strand, the complement: PKLR is on the minus strand). VCF-style: chr1-155291911-C-T. GRCh37 (hg19) VCF-style: chr1-155261702-C-T.
Other names: p.R488Q; c.1463G>A, p.Arg488Gln (LRG_1136t1); c.1370G>A, p.Arg457Gln (NM_181871.4); c.1463G>A (NM_000298.5); short protein forms R488Q, R457Q.
Identifiers: ClinVar variation 440152 (VCV000440152.14), dbSNP rs369183199, ClinGen allele CA1143990.
Genomic context (GRCh38, chr1:155,291,911, plus strand): 5'-AAGTGGACCTGGCGGGCAGCCTGGGCAGAGCGGGTGACAGCAATGACTGCTGCCCGAGGT[C>T]GGTACCGAGACAGAAGCTGGGCTGAGCTGGAGGAGGCAGAGAAGGTCAGCCCAGAACAGC-3'
Protein context (NP_000289.1, residues 478-498): GRSAQLLSRY[Arg488Gln]PRAAVIAVTR

ClinVar aggregate classification (germline): Conflicting classifications of pathogenicity. Review status: criteria provided, conflicting classifications (1 of 4 stars). 4 submissions from 4 submitters: Pathogenic (1); Uncertain significance (3). Last evaluated 2025-09-03.

Conditions:
Pyruvate kinase deficiency of red cells (CNSHA2). Also called: PK DEFICIENCY; PYRUVATE KINASE DEFICIENCY OF ERYTHROCYTE; Pyruvate kinase deficiency, Amish type. Identifiers: MONDO:0009950, OMIM 266200, Orphanet 766, MedGen C0340968.

Allele frequency attached by ClinVar (database versions not stated): gnomAD exomes 0.00001 and 0.00002; ExAC 0.00002; gnomAD 0.00002; TOPMed 0.00002; ESP Exome Variant Server 0.00008.
gnomAD v4.1: 26 of 1,613,330 alleles (0.0016%); highest among the groups gnomAD compares: East Asian, 0.0022%; no homozygotes.

Submissions (4):

Labcorp Genetics (formerly Invitae), Labcorp
Classification: Uncertain significance. Last evaluated: 2025-09-03. Review status: criteria provided, single submitter. Criteria: Invitae Variant Classification Sherloc (09022015). Collection method: clinical testing. Allele origin: germline.
Comment: This sequence change replaces arginine, which is basic and polar, with glutamine, which is neutral and polar, at codon 488 of the PKLR protein (p.Arg488Gln). This variant is present in population databases (rs369183199, gnomAD 0.004%). This missense change has been observed in individual(s) with clinical features of pyruvate kinase deficiency (PMID: 32036089). ClinVar contains an entry for this variant (Variation ID: 440152). Invitae Evidence Modeling of protein sequence and biophysical properties (such as structural, functional, and spatial information, amino acid conservation, physicochemical variation, residue mobility, and thermodynamic stability) indicates that this missense variant is expected to disrupt PKLR protein function with a positive predictive value of 80%. In summary, the available evidence is currently insufficient to determine the role of this variant in disease. Therefore, it has been classified as a Variant of Uncertain Significance.

Revvity Omics, Revvity
Classification: Uncertain significance. Last evaluated: 2023-06-26. Review status: criteria provided, single submitter. Criteria: ACMG Guidelines, 2015. Collection method: clinical testing. Allele origin: germline.

ARUP Laboratories, Molecular Genetics and Genomics, ARUP Laboratories
Classification: Uncertain significance. Last evaluated: 2017-04-14. Review status: criteria provided, single submitter. Criteria: ARUP Molecular Germline Variant Investigation Process. Collection method: clinical testing. Allele origin: germline.

Watson Genetic Lab
Classification: Pathogenic for Pyruvate kinase deficiency of red cells. Review status: criteria provided, single submitter. Criteria: ACMG Guidelines, 2015. Collection method: clinical testing. Allele origin: germline. Inheritance: Autosomal recessive inheritance. Affected: yes. Observed: 1 compound heterozygote.

Literature cited by the submitters: PubMed 32036089 (cited by Labcorp Genetics (formerly Invitae), Labcorp).